The following is an entry in ClinVar:

ClinVar aggregate classification (germline): Uncertain significance (1 of 4 stars; one submission).

Submission:

GeneDx
Classification: Uncertain significance. Last evaluated: 2026-04-23. Review status: criteria provided, single submitter. Criteria: GeneDx Variant Classification Process June 2021. Collection method: clinical testing. Allele origin: germline.
Comment: Not observed at significant frequency in large population cohorts (gnomAD); In silico analysis supports that this missense variant has a deleterious effect on protein structure/function; Has not been previously published as pathogenic or benign to our knowledge

NM_012199.5(AGO1):c.2480A>G (p.His827Arg)

Gene: AGO1 (argonaute RISC component 1; plus strand). Cytogenetic location: 1p34.3.
Variant type: single nucleotide variant.
Coding change: c.2480A>G on transcript NM_012199.5 (MANE Select); coding-DNA position 2480, A replaced by G.
Protein change: p.His827Arg; replaces histidine 827 with arginine.
Molecular consequence: missense variant.
Genome position (GRCh38, 1-based): chr1:35,919,513, A>G. VCF-style: chr1-35919513-A-G. GRCh37 (hg19) VCF-style: chr1-36385114-A-G.
Other names: c.2480A>G, p.His827Arg (NM_001317122.2); c.2255A>G, p.His752Arg (NM_001317123.2); short protein forms H752R, H827R.
Identifiers: ClinVar variation 3363862 (VCV003363862.2).
Genomic context (GRCh38, chr1:35,919,513, plus strand): 5'-GCTCTCAGTTCACCAGGAAGGACTTCTTTCATTTTTTCCTTTTCAGTGGAGAGGGGAGCC[A>G]CATATCGGGGCAGAGCAATGGGCGGGACCCCCAGGCCCTGGCCAAAGCCGTGCAGGTTCA-3'
Protein context (NP_036331.1, residues 817-837): DKEHDSGEGS[His827Arg]ISGQSNGRDP